The following is an entry in ClinVar:

NM_058216.3(RAD51C):c.247A>G (p.Lys83Glu)

Gene: RAD51C (RAD51 paralog C; plus strand). Cytogenetic location: 17q22.
Variant type: single nucleotide variant.
Coding change: c.247A>G on transcript NM_058216.3 (MANE Select); coding-DNA position 247, A replaced by G.
Protein change: p.Lys83Glu; replaces lysine 83 with glutamic acid.
Molecular consequence: missense variant. On other transcripts: non-coding transcript variant (2).
Genome position (GRCh38, 1-based): chr17:58,695,032, A>G. VCF-style: chr17-58695032-A-G. GRCh37 (hg19) VCF-style: chr17-56772393-A-G.
Other names: c.247A>G, p.Lys83Glu (NM_002876.4); short protein forms K83E.
Identifiers: ClinVar variation 920477 (VCV000920477.17), dbSNP rs2047947712, ClinGen allele CA400340360.

ClinVar aggregate classification (germline): Conflicting classifications of pathogenicity. Review status: criteria provided, conflicting classifications (1 of 4 stars). 3 submissions from 3 submitters: Uncertain significance (2); Benign (1). Last evaluated 2025-10-24.

Conditions:
Hereditary cancer-predisposing syndrome. Also called: Hereditary Cancer Syndrome; Hereditary neoplastic syndrome; Neoplastic Syndromes, Hereditary; Tumor predisposition. Identifiers: Orphanet 140162, MedGen C0027672, MeSH D009386, MONDO:0015356.
Fanconi anemia complementation group O. Also called: RAD51C-Related Fanconi Anemia. Identifiers: Orphanet 84, MedGen C3150653, MONDO:0013248, OMIM 613390.

Submissions (3):

Ambry Genetics
Classification: Benign for Hereditary cancer-predisposing syndrome. Last evaluated: 2025-10-24. Review status: criteria provided, single submitter. Criteria: Ambry Variant Classification Scheme 2023. Collection method: clinical testing. Allele origin: germline.

Color Diagnostics, LLC DBA Color Health
Classification: Uncertain significance for Hereditary cancer-predisposing syndrome. Last evaluated: 2024-03-06. Review status: criteria provided, single submitter. Criteria: ACMG Guidelines, 2015. Collection method: clinical testing. Allele origin: germline.
Comment: This missense variant replaces lysine with glutamic acid at codon 83 of the RAD51C protein. Computational prediction suggests that this variant may not impact protein structure and function (internally defined REVEL score threshold <= 0.5, PMID: 27666373). To our knowledge, functional studies have not been reported for this variant. This variant has not been reported in individuals affected with hereditary cancer in the literature. This variant has not been identified in the general population by the Genome Aggregation Database (gnomAD). The available evidence is insufficient to determine the role of this variant in disease conclusively. Therefore, this variant is classified as a Variant of Uncertain Significance.

Labcorp Genetics (formerly Invitae), Labcorp
Classification: Uncertain significance for Fanconi anemia complementation group O. Last evaluated: 2023-10-06. Review status: criteria provided, single submitter. Criteria: Invitae Variant Classification Sherloc (09022015). Collection method: clinical testing. Allele origin: germline.
Comment: This sequence change replaces lysine, which is basic and polar, with glutamic acid, which is acidic and polar, at codon 83 of the RAD51C protein (p.Lys83Glu). This variant is not present in population databases (gnomAD no frequency). This variant has not been reported in the literature in individuals affected with RAD51C-related conditions. ClinVar contains an entry for this variant (Variation ID: 920477). Advanced modeling of protein sequence and biophysical properties (such as structural, functional, and spatial information, amino acid conservation, physicochemical variation, residue mobility, and thermodynamic stability) performed at Invitae indicates that this missense variant is not expected to disrupt RAD51C protein function. In summary, the available evidence is currently insufficient to determine the role of this variant in disease. Therefore, it has been classified as a Variant of Uncertain Significance.